The following is an entry in ClinVar:

ClinVar aggregate classification (germline): Uncertain significance. Review status: criteria provided, multiple submitters, no conflicts (2 of 4 stars). 2 submissions from 2 submitters: Uncertain significance (2). Last evaluated 2023-08-02.

Conditions:
Emery-Dreifuss muscular dystrophy 5, autosomal dominant (EDMD5). Also called: EMERY-DREIFUSS MUSCULAR DYSTROPHY 5. Identifiers: Orphanet 261, MedGen C2751805, MONDO:0013072, OMIM 612999.

Allele frequency attached by ClinVar (database versions not stated): gnomAD 0.00001; TOPMed 0.00001; ExAC 0.00002.
gnomAD v4.1: 8 of 1,613,992 alleles (0.0005%); highest among the groups gnomAD compares: Non-Finnish European, 0.00068%; no homozygotes.

Submissions (2):

Labcorp Genetics (formerly Invitae), Labcorp
Classification: Uncertain significance for Emery-Dreifuss muscular dystrophy 5, autosomal dominant. Last evaluated: 2023-08-02. Review status: criteria provided, single submitter. Criteria: Invitae Variant Classification Sherloc (09022015). Collection method: clinical testing. Allele origin: germline.
Comment: An algorithm developed to predict the effect of missense changes on protein structure and function (PolyPhen-2) suggests that this variant is likely to be disruptive. In summary, the available evidence is currently insufficient to determine the role of this variant in disease. Therefore, it has been classified as a Variant of Uncertain Significance. ClinVar contains an entry for this variant (Variation ID: 857654). This variant has not been reported in the literature in individuals affected with SYNE2-related conditions. This variant is present in population databases (rs758884582, gnomAD 0.004%). This sequence change replaces alanine, which is neutral and non-polar, with threonine, which is neutral and polar, at codon 4512 of the SYNE2 protein (p.Ala4512Thr).

Revvity Omics, Revvity
Classification: Uncertain significance for Emery-Dreifuss muscular dystrophy 5, autosomal dominant. Last evaluated: 2019-08-05. Review status: criteria provided, single submitter. Criteria: ACMG Guidelines, 2015. Collection method: clinical testing. Allele origin: germline.

NM_182914.3(SYNE2):c.13534G>A (p.Ala4512Thr)

Gene: SYNE2 (spectrin repeat containing nuclear envelope protein 2; plus strand). Cytogenetic location: 14q23.2.
Variant type: single nucleotide variant.
Coding change: c.13534G>A on transcript NM_182914.3 (MANE Select); coding-DNA position 13534, G replaced by A.
Protein change: p.Ala4512Thr; replaces alanine 4512 with threonine.
Molecular consequence: missense variant.
Genome position (GRCh38, 1-based): chr14:64,125,190, G>A. VCF-style: chr14-64125190-G-A. GRCh37 (hg19) VCF-style: chr14-64591908-G-A.
Other names: c.13534G>A, p.Ala4512Thr (NM_015180.6); short protein forms A4512T.
Identifiers: ClinVar variation 857654 (VCV000857654.12), dbSNP rs758884582, ClinGen allele CA7222476.
Genomic context (GRCh38, chr14:64,125,190, plus strand): 5'-TACCCAACAACTGAAGAACTGAAAACCTATACCACCCAACTTGAAGACCTGCGCCAAGAA[G>A]CAAGTAACCTTCAGACACAGGTAGAAGCTGCACACAATGTGTTTTCCTCATTGTAATAAC-3'
Protein context (NP_878918.2, residues 4502-4522): TTQLEDLRQE[Ala4512Thr]SNLQTQENMT